The following is an entry in ClinVar:

ClinVar aggregate classification (germline): Likely pathogenic (1 of 4 stars; one submission).

Conditions:
Bethlem myopathy 1A. Also called: Bethlem Muscular Dystrophy; MYOPATHY, BENIGN CONGENITAL, WITH CONTRACTURES; Bethlem myopathy 1. Identifiers: Orphanet 610, MedGen CN029274, MONDO:0024530, OMIM 158810.

Submission:

Labcorp Genetics (formerly Invitae), Labcorp
Classification: Likely pathogenic for Bethlem myopathy 1A. Last evaluated: 2022-06-20. Review status: criteria provided, single submitter. Criteria: Invitae Variant Classification Sherloc (09022015). Collection method: clinical testing. Allele origin: germline.
Comment: In summary, the currently available evidence indicates that the variant is pathogenic, but additional data are needed to prove that conclusively. Therefore, this variant has been classified as Likely Pathogenic. This variant has not been reported in the literature in individuals affected with COL6A2-related conditions. This variant results in the deletion of exons 25-26 and part of exon 24 (c.1797_2423-43del) of the COL6A2 gene. It is expected to disrupt RNA splicing. Variants that disrupt the donor or acceptor splice site typically lead to a loss of protein function (PMID: 16199547), and loss-of-function variants in COL6A2 are known to be pathogenic (PMID: 19884007, 20976770).

Literature cited by the submitters: PubMed 16199547; PubMed 19884007; PubMed 20976770.

NC_000021.8:g.(?_47545206)_(47546374_?)del

Gene: COL6A2 (collagen type VI alpha 2 chain; plus strand). Cytogenetic location: 21q22.3.
Variant type: Deletion.
Identifiers: ClinVar variation 1068126 (VCV001068126.8).